The following is an entry in ClinVar:

NM_002335.4(LRP5):c.590C>T (p.Pro197Leu)

Gene: LRP5 (LDL receptor related protein 5; plus strand). Cytogenetic location: 11q13.2.
Variant type: single nucleotide variant.
Coding change: c.590C>T on transcript NM_002335.4 (MANE Select); coding-DNA position 590, C replaced by T.
Protein change: p.Pro197Leu; replaces proline 197 with leucine.
Molecular consequence: missense variant. On other transcripts: 5 prime UTR variant (1).
Genome position (GRCh38, 1-based): chr11:68,357,751, C>T. VCF-style: chr11-68357751-C-T. GRCh37 (hg19) VCF-style: chr11-68125219-C-T.
Other names: c.-1176C>T (NM_001291902.2); short protein forms P197L.
Identifiers: ClinVar variation 4528024 (VCV004528024.1).

ClinVar aggregate classification (germline): Uncertain significance (1 of 4 stars; one submission).

Submission:

GeneDx
Classification: Uncertain significance. Last evaluated: 2025-05-05. Review status: criteria provided, single submitter. Criteria: GeneDx Variant Classification Process June 2021. Collection method: clinical testing. Allele origin: germline. Affected: yes.
Comment: Not observed at significant frequency in large population cohorts (gnomAD); In silico analysis supports that this missense variant has a deleterious effect on protein structure/function; Has not been previously published as pathogenic or benign to our knowledge